The following is an entry in ClinVar:

NM_013386.5(SLC25A24):c.669+6C>G

Gene: SLC25A24 (solute carrier family 25 member 24; minus strand). Cytogenetic location: 1p13.3.
Variant type: single nucleotide variant.
Coding change: c.669+6C>G on transcript NM_013386.5 (MANE Select); 6 bases into the intron after coding-DNA position 669, C replaced by G.
Molecular consequence: intron variant.
Genome position (GRCh38, 1-based): chr1:108,157,456, G>C on the plus strand (C>G on the coding strand, the complement: SLC25A24 is on the minus strand). VCF-style: chr1-108157456-G-C. GRCh37 (hg19) VCF-style: chr1-108700078-G-C.
Other names: c.612+6C>G (NM_213651.3).
Identifiers: ClinVar variation 3042781 (VCV003042781.2), dbSNP rs200470374, ClinGen allele CA979236.

ClinVar aggregate classification (germline): Likely benign (0 of 4 stars; one submission).

Conditions:
SLC25A24-related disorder. Also called: SLC25A24-related condition.

Allele frequency attached by ClinVar (database versions not stated): gnomAD 0.00007; TOPMed 0.00009; ExAC 0.00011; 1000 Genomes Project 30x 0.00016; 1000 Genomes Project 0.00020; ESP Exome Variant Server 0.00031.
gnomAD v4.1: 137 of 1,611,898 alleles (0.0085%); highest among the groups gnomAD compares: Middle Eastern, 0.033%; no homozygotes.

Submission:

PreventionGenetics, part of Exact Sciences
Classification: Likely benign for SLC25A24-related condition. Last evaluated: 2019-06-25. Review status: no assertion criteria provided. Collection method: clinical testing. Allele origin: germline.
Comment: This variant is classified as likely benign based on ACMG/AMP sequence variant interpretation guidelines (Richards et al. 2015 PMID: 25741868, with internal and published modifications).